The following is an entry in ClinVar:

ClinVar aggregate classification (germline): Uncertain significance (1 of 4 stars; one submission).

Conditions:
Wiedemann-Steiner syndrome (WDSTS). Also called: Growth deficiency and mental retardation with facial dysmorphism. Identifiers: Orphanet 319182, MedGen C1854630, MONDO:0011518, OMIM 605130.

Submission:

Victorian Clinical Genetics Services, Murdoch Childrens Research Institute
Classification: Uncertain significance for Wiedemann-Steiner syndrome. Last evaluated: 2022-09-02. Review status: criteria provided, single submitter. Criteria: ACMG Guidelines, 2015. Collection method: clinical testing. Allele origin: germline. Inheritance: Autosomal dominant inheritance. Affected: yes.
Comment: Based on the classification scheme VCGS_Germline_v1.3.4, this variant is classified as VUS-3B. Following criteria are met: 0102 - Loss of function is a known mechanism of disease in this gene and is associated with Wiedemann-Steiner syndrome (MIM#605130). (I) 0107 - This gene is associated with autosomal dominant disease. (I) 0200 - Variant is predicted to result in a missense amino acid change from leucine to isoleucine. (I) 0251 - This variant is heterozygous. (I) 0301 - Variant is absent from gnomAD (both v2 and v3). (SP) 0309 - An alternative amino acid change at the same position has been observed in gnomAD (v2) (1 heterozygote, 0 homozygotes). (I) 0502 - Missense variant with conflicting in silico predictions and high conservation. (I) 0604 - Variant is not located in an established domain, motif, hotspot or informative constraint region. (I) 0705 - No comparable missense variants have previous evidence for pathogenicity. (I) 0807 - This variant has no previous evidence of pathogenicity. (I) 0905 - No published segregation evidence has been identified for this variant. (I) 1007 - No published functional evidence has been identified for this variant. (I) 1208 - Inheritance information for this variant is not currently available in this individual. (I) Legend: (SP) - Supporting pathogenic, (I) - Information, (SB) - Supporting benign

NM_001197104.2(KMT2A):c.4915C>A (p.Leu1639Ile)

Gene: KMT2A (lysine methyltransferase 2A; plus strand). Cytogenetic location: 11q23.3.
Variant type: single nucleotide variant.
Coding change: c.4915C>A on transcript NM_001197104.2 (MANE Select); coding-DNA position 4915, C replaced by A.
Protein change: p.Leu1639Ile; replaces leucine 1639 with isoleucine.
Molecular consequence: missense variant.
Genome position (GRCh38, 1-based): chr11:118,491,839, C>A. VCF-style: chr11-118491839-C-A. GRCh37 (hg19) VCF-style: chr11-118362554-C-A.
Other names: c.5005C>A, p.Leu1669Ile (NM_001412597.1); c.4906C>A, p.Leu1636Ile (NM_005933.4); short protein forms L1636I, L1639I, L1669I.
Identifiers: ClinVar variation 1805916 (VCV001805916.1), dbSNP rs782499672, ClinGen allele CA382834864.